The following is an entry in ClinVar:

ClinVar aggregate classification (germline): Uncertain significance. Review status: criteria provided, multiple submitters, no conflicts (2 of 4 stars). 2 submissions from 2 submitters: Uncertain significance (2). Last evaluated 2025-12-01.

Conditions:
Hereditary cancer-predisposing syndrome. Also called: Neoplastic Syndromes, Hereditary; Tumor predisposition; Hereditary Cancer Syndrome; Hereditary neoplastic syndrome. Identifiers: Orphanet 140162, MedGen C0027672, MeSH D009386, MONDO:0015356.

Allele frequency attached by ClinVar (database versions not stated): gnomAD exomes below 0.00001; TOPMed 0.00001.
gnomAD v4.1: 2 of 1,614,162 alleles (0.00012%); highest among the groups gnomAD compares: Admixed American, 0.0033%; no homozygotes.

Submissions (2):

Labcorp Genetics (formerly Invitae), Labcorp
Classification: Uncertain significance. Last evaluated: 2025-12-01. Review status: criteria provided, single submitter. Criteria: Invitae Variant Classification Sherloc (09022015). Collection method: clinical testing. Allele origin: germline.
Comment: This sequence change replaces serine, which is neutral and polar, with phenylalanine, which is neutral and non-polar, at codon 116 of the MSH3 protein (p.Ser116Phe). This variant is present in population databases (no rsID available, gnomAD 0.006%). This variant has not been reported in the literature in individuals affected with MSH3-related conditions. ClinVar contains an entry for this variant (Variation ID: 1731833). An algorithm developed to predict the effect of missense changes on protein structure and function outputs the following: PolyPhen-2: "Benign". The phenylalanine amino acid residue is found in multiple mammalian species, which suggests that this missense change does not adversely affect protein function. In summary, the available evidence is currently insufficient to determine the role of this variant in disease. Therefore, it has been classified as a Variant of Uncertain Significance.

Ambry Genetics
Classification: Uncertain significance for Hereditary cancer-predisposing syndrome. Last evaluated: 2025-03-12. Review status: criteria provided, single submitter. Criteria: Ambry Variant Classification Scheme 2023. Collection method: clinical testing. Allele origin: germline.
Comment: The p.S116F variant (also known as c.347C>T), located in coding exon 2 of the MSH3 gene, results from a C to T substitution at nucleotide position 347. The serine at codon 116 is replaced by phenylalanine, an amino acid with highly dissimilar properties. This amino acid position is not well conserved in available vertebrate species. In addition, this alteration is predicted to be tolerated by in silico analysis. Since supporting evidence is limited at this time, the clinical significance of this alteration remains unclear.

NM_002439.5(MSH3):c.347C>T (p.Ser116Phe)

Gene: MSH3 (mutS homolog 3; plus strand). Cytogenetic location: 5q14.1.
Variant type: single nucleotide variant.
Coding change: c.347C>T on transcript NM_002439.5 (MANE Select); coding-DNA position 347, C replaced by T.
Protein change: p.Ser116Phe; replaces serine 116 with phenylalanine.
Molecular consequence: missense variant.
Genome position (GRCh38, 1-based): chr5:80,656,520, C>T. VCF-style: chr5-80656520-C-T. GRCh37 (hg19) VCF-style: chr5-79952339-C-T.
Other names: short protein forms S116F.
Identifiers: ClinVar variation 1731833 (VCV001731833.4), dbSNP rs1362313141, ClinGen allele CA360266578.
Genomic context (GRCh38, chr5:80,656,520, plus strand): 5'-CTGTTAAAAAGAAAGTAAAGAAAGTCCAACAAAAGGAAGGAGGAAGTGATCTGGGAATGT[C>T]TGGCAACTCTGGTGAGTTGTGGGGGATTCTTTTTTCTCCTCAGTCATGGCTCTGGTATTC-3'
Protein context (NP_002430.3, residues 106-126): QKEGGSDLGM[Ser116Phe]GNSEPKKCLR